The following is an entry in ClinVar:

NM_006206.6(PDGFRA):c.233G>C (p.Ser78Thr)

Gene: PDGFRA (platelet derived growth factor receptor alpha; plus strand). Cytogenetic location: 4q12.
Variant type: single nucleotide variant.
Coding change: c.233G>C on transcript NM_006206.6 (MANE Select); coding-DNA position 233, G replaced by C.
Protein change: p.Ser78Thr; replaces serine 78 with threonine.
Molecular consequence: missense variant.
Genome position (GRCh38, 1-based): chr4:54,261,278, G>C. VCF-style: chr4-54261278-G-C. GRCh37 (hg19) VCF-style: chr4-55127445-G-C.
Other names: c.233G>C, p.Ser78Thr (NM_001347827.2, NM_001347829.2); c.308G>C, p.Ser103Thr (NM_001347828.2); c.272G>C, p.Ser91Thr (NM_001347830.2); short protein forms S103T, S78T, S91T.
Identifiers: ClinVar variation 1789841 (VCV001789841.2), dbSNP rs1560466833, ClinGen allele CA356888586.
Genomic context (GRCh38, chr4:54,261,278, plus strand): 5'-AGTACCCCATGTCTGAAGAAGAGAGCTCCGATGTGGAAATCAGAAATGAAGAAAACAACA[G>C]CGGCCTTTTTGTGACGGTCTTGGAAGTGAGCAGTGCCTCGGCGGCCCACACAGGGTTGTA-3'
Protein context (NP_006197.1, residues 68-88): DVEIRNEENN[Ser78Thr]GLFVTVLEVS

ClinVar aggregate classification (germline): Uncertain significance (1 of 4 stars; one submission).

Conditions:
Hereditary cancer-predisposing syndrome. Also called: Hereditary Cancer Syndrome; Hereditary neoplastic syndrome; Tumor predisposition; Neoplastic Syndromes, Hereditary. Identifiers: Orphanet 140162, MedGen C0027672, MeSH D009386, MONDO:0015356.

Submission:

Ambry Genetics
Classification: Uncertain significance for Hereditary cancer-predisposing syndrome. Last evaluated: 2022-02-15. Review status: criteria provided, single submitter. Criteria: Ambry Variant Classification Scheme 2023. Collection method: clinical testing. Allele origin: germline.
Comment: The p.S78T variant (also known as c.233G>C), located in coding exon 2 of the PDGFRA gene, results from a G to C substitution at nucleotide position 233. The serine at codon 78 is replaced by threonine, an amino acid with similar properties. This amino acid position is conserved. In addition, this alteration is predicted to be tolerated by in silico analysis. Since supporting evidence is limited at this time, the clinical significance of this alteration remains unclear.